The following is an entry in ClinVar:

ClinVar aggregate classification (germline): Uncertain significance (1 of 4 stars; one submission).

Conditions:
Mowat-Wilson syndrome (MOWS). Also called: Classic Mowat-Wilson Syndrome. Identifiers: Orphanet 2152, MedGen C1856113, MONDO:0009341, OMIM 235730.

Submission:

Labcorp Genetics (formerly Invitae), Labcorp
Classification: Uncertain significance for Mowat-Wilson syndrome. Last evaluated: 2020-03-07. Review status: criteria provided, single submitter. Criteria: Invitae Variant Classification Sherloc (09022015). Collection method: clinical testing. Allele origin: germline.
Comment: In summary, the available evidence is currently insufficient to determine the role of this variant in disease. Therefore, it has been classified as a Variant of Uncertain Significance. Algorithms developed to predict the effect of missense changes on protein structure and function (SIFT, PolyPhen-2, Align-GVGD) all suggest that this variant is likely to be tolerated, but these predictions have not been confirmed by published functional studies and their clinical significance is uncertain. This variant has been observed in an individual affected with autism spectrum disorder (PMID: 26633542). This variant is not present in population databases (ExAC no frequency). This sequence change replaces proline with leucine at codon 20 of the ZEB2 protein (p.Pro20Leu). The proline residue is weakly conserved and there is a moderate physicochemical difference between proline and leucine.

Literature cited by the submitters: PubMed 26633542.

NM_014795.4(ZEB2):c.59C>T (p.Pro20Leu)

Gene: ZEB2 (zinc finger E-box binding homeobox 2; minus strand). Cytogenetic location: 2q22.3.
Variant type: single nucleotide variant.
Coding change: c.59C>T on transcript NM_014795.4 (MANE Select); coding-DNA position 59, C replaced by T.
Protein change: p.Pro20Leu; replaces proline 20 with leucine.
Molecular consequence: missense variant. On other transcripts: non-coding transcript variant (1).
Genome position (GRCh38, 1-based): chr2:144,517,292, G>A on the plus strand (C>T on the coding strand, the complement: ZEB2 is on the minus strand). VCF-style: chr2-144517292-G-A. GRCh37 (hg19) VCF-style: chr2-145274859-G-A.
Other names: c.59C>T, p.Pro20Leu (NM_001171653.2); short protein forms P20L.
Identifiers: ClinVar variation 181749 (VCV000181749.8), dbSNP rs730881206, ClinGen allele CA297625.